The following is an entry in ClinVar:

NM_177438.3(DICER1):c.3553G>C (p.Ala1185Pro)

Gene: DICER1 (dicer 1, ribonuclease III; minus strand). Cytogenetic location: 14q32.13.
Variant type: single nucleotide variant.
Coding change: c.3553G>C on transcript NM_177438.3 (MANE Select); coding-DNA position 3553, G replaced by C.
Protein change: p.Ala1185Pro; replaces alanine 1185 with proline.
Molecular consequence: missense variant.
Genome position (GRCh38, 1-based): chr14:95,103,843, C>G on the plus strand (G>C on the coding strand, the complement: DICER1 is on the minus strand). VCF-style: chr14-95103843-C-G. GRCh37 (hg19) VCF-style: chr14-95570180-C-G.
Other names: c.3553G>C, p.Ala1185Pro (NM_001195573.1, NM_001271282.3, NM_001291628.2 and 1 more transcripts); short protein forms A1185P.
Identifiers: ClinVar variation 568319 (VCV000568319.10), dbSNP rs150514959, ClinGen allele CA390874957.

ClinVar aggregate classification (germline): Uncertain significance (1 of 4 stars; one submission).

Conditions:
DICER1-related tumor predisposition. Also called: DICER1-related pleuropulmonary blastoma cancer predisposition syndrome; DICER1 syndrome. Identifiers: Orphanet 284343, MedGen C3839822, MONDO:0100216.

gnomAD v4.1: 1 of 1,613,916 alleles (0.000062%); highest among the groups gnomAD compares: Non-Finnish European, 0.000085%; no homozygotes.

Submission:

Labcorp Genetics (formerly Invitae), Labcorp
Classification: Uncertain significance for DICER1-related tumor predisposition. Last evaluated: 2018-04-29. Review status: criteria provided, single submitter. Criteria: Invitae Variant Classification Sherloc (09022015). Collection method: clinical testing. Allele origin: germline.
Comment: In summary, the available evidence is currently insufficient to determine the role of this variant in disease. Therefore, it has been classified as a Variant of Uncertain Significance. Algorithms developed to predict the effect of missense changes on protein structure and function do not agree on the potential impact of this missense change (SIFT: "Tolerated"; PolyPhen-2: "Possibly Damaging"; Align-GVGD: "Class C0"). This variant has not been reported in the literature in individuals with DICER1-related disease. This variant is not present in population databases (ExAC no frequency). This sequence change replaces alanine with proline at codon 1185 of the DICER1 protein (p.Ala1185Pro). The alanine residue is moderately conserved and there is a small physicochemical difference between alanine and proline.